The following is an entry in ClinVar:

ClinVar aggregate classification (germline): Likely benign. Review status: criteria provided, multiple submitters, no conflicts (2 of 4 stars). 4 submissions from 4 submitters: Likely benign (4). Last evaluated 2026-01-16.

Conditions:
Hereditary pulmonary alveolar proteinosis. Also called: Pulmonary surfactant metabolism dysfunction. Identifiers: Orphanet 264675, MedGen C3711368, MONDO:0012580.

Allele frequency attached by ClinVar (database versions not stated): gnomAD 0.00005; ExAC 0.00006; TOPMed 0.00006; ESP Exome Variant Server 0.00008.
gnomAD v4.1: 287 of 1,614,032 alleles (0.018%); highest among the groups gnomAD compares: Non-Finnish European, 0.023%; no homozygotes.

Submissions (4):

Labcorp Genetics (formerly Invitae), Labcorp
Classification: Likely benign. Last evaluated: 2026-01-16. Review status: criteria provided, single submitter. Criteria: Invitae Variant Classification Sherloc (09022015). Collection method: clinical testing. Allele origin: germline.

Ambry Genetics
Classification: Likely benign for Hereditary pulmonary alveolar proteinosis. Last evaluated: 2024-08-23. Review status: criteria provided, single submitter. Criteria: Ambry Variant Classification Scheme 2023. Collection method: clinical testing. Allele origin: germline.

CeGaT Center for Human Genetics Tuebingen
Classification: Likely benign. Last evaluated: 2024-02-01. Review status: criteria provided, single submitter. Criteria: CeGaT Center For Human Genetics Tuebingen Variant Classification Criteria Version 2. Collection method: clinical testing. Allele origin: germline. Affected: yes. Observed: 1 variant allele.
Comment: ABCA3: BP4, BP7

Blueprint Genetics
Classification: Likely benign. Last evaluated: 2023-06-13. Review status: criteria provided, single submitter. Criteria: ACMG Guidelines, 2015. Collection method: clinical testing. Allele origin: germline.

NM_001089.3(ABCA3):c.3165C>T (p.Ala1055=)

Gene: ABCA3 (ATP binding cassette subfamily A member 3; minus strand). Cytogenetic location: 16p13.3.
Variant type: single nucleotide variant.
Coding change: c.3165C>T on transcript NM_001089.3 (MANE Select); coding-DNA position 3165, C replaced by T.
Protein change: p.Ala1055=; no amino-acid change (alanine 1055 retained).
Molecular consequence: synonymous variant.
Genome position (GRCh38, 1-based): chr16:2,286,807, G>A on the plus strand (C>T on the coding strand, the complement: ABCA3 is on the minus strand). VCF-style: chr16-2286807-G-A. GRCh37 (hg19) VCF-style: chr16-2336808-G-A.
Other names: c.3165C>T (NM_001089.2).
Identifiers: ClinVar variation 2722345 (VCV002722345.27), dbSNP rs371943188, ClinGen allele CA7840588.